The following is an entry in ClinVar:

ClinVar aggregate classification (germline): Uncertain significance. Review status: criteria provided, multiple submitters, no conflicts (2 of 4 stars). 2 submissions from 2 submitters: Uncertain significance (2). Last evaluated 2020-08-24.

Conditions:
Cortical dysplasia-focal epilepsy syndrome (PTHSL1). Also called: Pitt-Hopkins-like syndrome 1. Identifiers: Orphanet 163681, Orphanet 221150, MedGen C2750246, MONDO:0012400, OMIM 610042.

Allele frequency attached by ClinVar (database versions not stated): gnomAD 0.00001; gnomAD exomes 0.00001; TOPMed 0.00001.
gnomAD v4.1: 9 of 1,613,928 alleles (0.00056%); highest among the groups gnomAD compares: South Asian, 0.0011%; no homozygotes.

Submissions (2):

Labcorp Genetics (formerly Invitae), Labcorp
Classification: Uncertain significance for Cortical dysplasia-focal epilepsy syndrome. Last evaluated: 2020-08-24. Review status: criteria provided, single submitter. Criteria: Invitae Variant Classification Sherloc (09022015). Collection method: clinical testing. Allele origin: germline.
Comment: This variant is not present in population databases (ExAC no frequency). This sequence change replaces lysine with asparagine at codon 331 of the CNTNAP2 protein (p.Lys331Asn). The lysine residue is weakly conserved and there is a moderate physicochemical difference between lysine and asparagine. This variant has not been reported in the literature in individuals with CNTNAP2-related conditions. ClinVar contains an entry for this variant (Variation ID: 418866). Algorithms developed to predict the effect of missense changes on protein structure and function (SIFT, PolyPhen-2, Align-GVGD) all suggest that this variant is likely to be tolerated, but these predictions have not been confirmed by published functional studies and their clinical significance is uncertain. In summary, the available evidence is currently insufficient to determine the role of this variant in disease. Therefore, it has been classified as a Variant of Uncertain Significance.

GeneDx
Classification: Uncertain significance. Last evaluated: 2016-06-30. Review status: criteria provided, single submitter. Criteria: GeneDx Variant Classification (06012015). Collection method: clinical testing. Allele origin: germline. Affected: yes.
Comment: A variant of uncertain significance has been identified in the CNTNAP2 gene. The K331N variant has not been published as a pathogenic variant, nor has it been reported as a benign variant to our knowledge. It was not observed in approximately 6,500 individuals of European and African American ancestry in the NHLBI Exome Sequencing Project, indicating it is not a common benign variant in these populations. The K331N variant is a semi-conservative amino acid substitution, which may impact secondary protein structure as these residues differ in some properties. This substitution occurs at a position that is conserved in mammals. However, missense variants in nearby residues have not been reported in the Human Gene Mutation Database in association with CNTNAP2-related disorder (Stenson et al., 2014). In silico analysis is inconsistent in its predictions as to whether or not the variant is damaging to the protein structure/function. Therefore, based on the currently available information, it is unclear whether this variant is a pathogenic variant or a rare benign variant.

NM_014141.6(CNTNAP2):c.993G>T (p.Lys331Asn)

Gene: CNTNAP2 (contactin associated protein 2; plus strand). Cytogenetic location: 7q35.
Variant type: single nucleotide variant.
Coding change: c.993G>T on transcript NM_014141.6 (MANE Select); coding-DNA position 993, G replaced by T.
Protein change: p.Lys331Asn; replaces lysine 331 with asparagine.
Molecular consequence: missense variant.
Genome position (GRCh38, 1-based): chr7:147,128,746, G>T. VCF-style: chr7-147128746-G-T. GRCh37 (hg19) VCF-style: chr7-146825838-G-T.
Other names: short protein forms K331N.
Identifiers: ClinVar variation 418866 (VCV000418866.11), dbSNP rs1064793484, ClinGen allele CA16618375.